The following is an entry in ClinVar:

ClinVar aggregate classification (germline): Uncertain significance (1 of 4 stars; one submission).

gnomAD v4.1: 6 of 1,546,416 alleles (0.00039%); highest among the groups gnomAD compares: East Asian, 0.012%; no homozygotes.

Submission:

GeneDx
Classification: Uncertain significance. Last evaluated: 2024-12-15. Review status: criteria provided, single submitter. Criteria: GeneDx Variant Classification Process June 2021. Collection method: clinical testing. Allele origin: germline. Affected: yes.
Comment: Intronic +5 splice site variant in a gene for which loss of function is a known mechanism of disease, and both splice predictors and evolutionary conservation support a deleterious effect, although in the absence of functional evidence the actual effect of this sequence change is unknown.; Has not been previously published as pathogenic or benign to our knowledge

NM_001080453.3(INTS1):c.6184+5G>C

Gene: INTS1 (integrator complex subunit 1; minus strand). Cytogenetic location: 7p22.3.
Variant type: single nucleotide variant.
Coding change: c.6184+5G>C on transcript NM_001080453.3 (MANE Select); 5 bases into the intron after coding-DNA position 6184, G replaced by C.
Molecular consequence: intron variant.
Genome position (GRCh38, 1-based): chr7:1,472,268, C>G on the plus strand (G>C on the coding strand, the complement: INTS1 is on the minus strand). VCF-style: chr7-1472268-C-G. GRCh37 (hg19) VCF-style: chr7-1511904-C-G.
Identifiers: ClinVar variation 3906516 (VCV003906516.1).